The following is an entry in ClinVar:

NM_003119.4(SPG7):c.1324+3850T>C

Gene: SPG7 (SPG7 matrix AAA peptidase subunit, paraplegin; plus strand). Cytogenetic location: 16q24.3.
Variant type: single nucleotide variant.
Coding change: c.1324+3850T>C on transcript NM_003119.4 (MANE Select); 3850 bases into the intron after coding-DNA position 1324, T replaced by C.
Molecular consequence: intron variant.
Genome position (GRCh38, 1-based): chr16:89,536,486, T>C. VCF-style: chr16-89536486-T-C. GRCh37 (hg19) VCF-style: chr16-89602894-T-C.
Other names: c.1324+3850T>C (NM_001363850.1); c.1325-279T>C (NM_199367.3).
Identifiers: ClinVar variation 671098 (VCV000671098.1), dbSNP rs182897688, ClinGen allele CA286548569.

ClinVar aggregate classification (germline): Benign (1 of 4 stars; one submission).

Allele frequency attached by ClinVar (database versions not stated): gnomAD 0.16243 and 0.16468.
gnomAD v4.1: 7,591 of 45,964 alleles (17%); highest among the groups gnomAD compares: Middle Eastern, 36%; 1,898 homozygotes.

Submission:

GeneDx
Classification: Benign. Last evaluated: 2018-06-14. Review status: criteria provided, single submitter. Criteria: GeneDx Variant Classification (06012015). Collection method: clinical testing. Allele origin: germline. Affected: yes.
Comment: This variant is considered likely benign or benign based on one or more of the following criteria: it is a conservative change, it occurs at a poorly conserved position in the protein, it is predicted to be benign by multiple in silico algorithms, and/or has population frequency not consistent with disease.